The following is an entry in ClinVar:

ClinVar aggregate classification (germline): Uncertain significance. Review status: criteria provided, multiple submitters, no conflicts (2 of 4 stars). 2 submissions from 2 submitters: Uncertain significance (2). Last evaluated 2025-01-17.

Conditions:
Inborn genetic diseases. Identifiers: MedGen C0950123, MeSH D030342.

Allele frequency attached by ClinVar (database versions not stated): TOPMed below 0.00001; gnomAD 0.00002; gnomAD exomes 0.00002 and 0.00003; ExAC 0.00003.
gnomAD v4.1: 27 of 1,613,514 alleles (0.0017%); highest among the groups gnomAD compares: Admixed American, 0.01%; no homozygotes.

Submissions (2):

Ambry Genetics
Classification: Uncertain significance for Inborn genetic diseases. Last evaluated: 2025-01-17. Review status: criteria provided, single submitter. Criteria: Ambry Variant Classification Scheme 2023. Collection method: clinical testing. Allele origin: germline.

Labcorp Genetics (formerly Invitae), Labcorp
Classification: Uncertain significance. Last evaluated: 2022-06-19. Review status: criteria provided, single submitter. Criteria: Invitae Variant Classification Sherloc (09022015). Collection method: clinical testing. Allele origin: germline.
Comment: This sequence change replaces arginine, which is basic and polar, with glutamine, which is neutral and polar, at codon 478 of the MYSM1 protein (p.Arg478Gln). This variant is present in population databases (rs779040700, gnomAD 0.01%). This variant has not been reported in the literature in individuals affected with MYSM1-related conditions. Algorithms developed to predict the effect of missense changes on protein structure and function are either unavailable or do not agree on the potential impact of this missense change (SIFT: "Tolerated"; PolyPhen-2: "Possibly Damaging"; Align-GVGD: "Class C0"). In summary, the available evidence is currently insufficient to determine the role of this variant in disease. Therefore, it has been classified as a Variant of Uncertain Significance.

NM_001085487.3(MYSM1):c.1433G>A (p.Arg478Gln)

Gene: MYSM1 (Myb like, SWIRM and MPN domains 1; minus strand). Cytogenetic location: 1p32.1.
Variant type: single nucleotide variant.
Coding change: c.1433G>A on transcript NM_001085487.3 (MANE Select); coding-DNA position 1433, G replaced by A.
Protein change: p.Arg478Gln; replaces arginine 478 with glutamine.
Molecular consequence: missense variant.
Genome position (GRCh38, 1-based): chr1:58,675,538, C>T on the plus strand (G>A on the coding strand, the complement: MYSM1 is on the minus strand). VCF-style: chr1-58675538-C-T. GRCh37 (hg19) VCF-style: chr1-59141210-C-T.
Other names: c.1433G>A (NM_001085487.2); short protein forms R478Q.
Identifiers: ClinVar variation 1443488 (VCV001443488.6), dbSNP rs779040700, ClinGen allele CA877814.
Genomic context (GRCh38, chr1:58,675,538, plus strand): 5'-ATAGACTGCAGACGCTGGGCAAGTTGGTATGCTTCTACTGCATCTTTTCTGTCTCTGATT[C>T]GTACTTTGTCAACTGTTTGTGGCCTATTATACACAGCCTGTTCTATTGGAATTCAGGAAA-3'
Protein context (NP_001078956.1, residues 468-488): YNRPQTVDKV[Arg478Gln]IRDRKDAVEA